The following is an entry in ClinVar:

ClinVar aggregate classification (germline): Uncertain significance. Review status: criteria provided, multiple submitters, no conflicts (2 of 4 stars). 5 submissions from 4 submitters: Uncertain significance (5). Last evaluated 2024-11-08.

Conditions:
Microcephaly 9, primary, autosomal recessive. Identifiers: Orphanet 2512, MedGen C3553886, MONDO:0013923, OMIM 614852.
Seckel syndrome 5 (SCKL5). Identifiers: Orphanet 808, MedGen C3151187, MONDO:0013443, OMIM 613823.

Allele frequency attached by ClinVar (database versions not stated): TOPMed 0.00008; gnomAD 0.00011 and 0.00014; ESP Exome Variant Server 0.00016; ExAC 0.00036.
gnomAD v4.1: 199 of 1,613,846 alleles (0.012%); highest among the groups gnomAD compares: Middle Eastern, 0.016%; no homozygotes.

Submissions (5):

Blueprint Genetics
Classification: Uncertain significance. Last evaluated: 2024-11-08. Review status: criteria provided, single submitter. Criteria: ACMG Guidelines, 2015. Collection method: clinical testing. Allele origin: germline.

Labcorp Genetics (formerly Invitae), Labcorp
Classification: Uncertain significance. Last evaluated: 2022-04-19. Review status: criteria provided, single submitter. Criteria: Invitae Variant Classification Sherloc (09022015). Collection method: clinical testing. Allele origin: germline.
Comment: This sequence change replaces aspartic acid, which is acidic and polar, with asparagine, which is neutral and polar, at codon 45 of the CEP152 protein (p.Asp45Asn). This variant is present in population databases (rs200227733, gnomAD 0.1%). This variant has not been reported in the literature in individuals affected with CEP152-related conditions. ClinVar contains an entry for this variant (Variation ID: 158226). Algorithms developed to predict the effect of missense changes on protein structure and function are either unavailable or do not agree on the potential impact of this missense change (SIFT: "Tolerated"; PolyPhen-2: "Possibly Damaging"; Align-GVGD: "Class C0"). In summary, the available evidence is currently insufficient to determine the role of this variant in disease. Therefore, it has been classified as a Variant of Uncertain Significance.

Illumina Laboratory Services, Illumina
Classification: Uncertain significance for Seckel syndrome 5. Last evaluated: 2018-01-12. Review status: criteria provided, single submitter. Criteria: ICSL Variant Classification Criteria 13 December 2019. Collection method: clinical testing. Allele origin: germline.

Illumina Laboratory Services, Illumina
Classification: Uncertain significance for Microcephaly 9, primary, autosomal recessive. Last evaluated: 2018-01-12. Review status: criteria provided, single submitter. Criteria: ICSL Variant Classification Criteria 13 December 2019. Collection method: clinical testing. Allele origin: germline.

Genetic Services Laboratory, University of Chicago
Classification: Uncertain significance for Microcephaly 9, primary, autosomal recessive. Last evaluated: 2013-11-13. Review status: criteria provided, single submitter. Criteria: ACMG Guidelines, 2007. Collection method: clinical testing. Allele origin: germline. Inheritance: Autosomal recessive inheritance.

NM_001194998.2(CEP152):c.133G>A (p.Asp45Asn)

Gene: CEP152 (centrosomal protein 152; minus strand). Cytogenetic location: 15q21.1.
Variant type: single nucleotide variant.
Coding change: c.133G>A on transcript NM_001194998.2 (MANE Select); coding-DNA position 133, G replaced by A.
Protein change: p.Asp45Asn; replaces aspartic acid 45 with asparagine.
Molecular consequence: missense variant.
Genome position (GRCh38, 1-based): chr15:48,798,006, C>T on the plus strand (G>A on the coding strand, the complement: CEP152 is on the minus strand). VCF-style: chr15-48798006-C-T. GRCh37 (hg19) VCF-style: chr15-49090203-C-T.
Other names: c.133G>A, p.Asp45Asn (NM_014985.4); short protein forms D45N.
Identifiers: ClinVar variation 158226 (VCV000158226.11), dbSNP rs200227733, ClinGen allele CA211001.
Genomic context (GRCh38, chr15:48,798,006, plus strand): 5'-ACTGTCCGTCTGTGCCATCCTCGCTGCAGTCCGAATACTGGAGCTCTGGAGAGGAGAGGT[C>T]GTCATCCAGCATGTCATGGGGAAGGTCTGTGAGTAACTGCTGCAACTGAGTCAAAAGGTC-3'
Protein context (NP_001181927.1, residues 35-55): TDLPHDMLDD[Asp45Asn]LSSPELQYSD